The following is an entry in ClinVar:

ClinVar aggregate classification (germline): Uncertain significance. Review status: criteria provided, multiple submitters, no conflicts (2 of 4 stars). 2 submissions from 2 submitters: Uncertain significance (2). Last evaluated 2025-10-13.

Conditions:
Inborn genetic diseases. Identifiers: MedGen C0950123, MeSH D030342.
Treacher Collins syndrome 1 (TCS1). Also called: TCOF1-Related Treacher Collins Syndrome. Identifiers: Orphanet 861, MedGen CN315775, MONDO:0007944, OMIM 154500.

Allele frequency attached by ClinVar (database versions not stated): ExAC 0.00001; TOPMed 0.00007; gnomAD 0.00008.

Submissions (2):

Labcorp Genetics (formerly Invitae), Labcorp
Classification: Uncertain significance for Treacher Collins syndrome 1. Last evaluated: 2025-10-13. Review status: criteria provided, single submitter. Criteria: Invitae Variant Classification Sherloc (09022015). Collection method: clinical testing. Allele origin: germline.
Comment: This sequence change replaces proline, which is neutral and non-polar, with serine, which is neutral and polar, at codon 311 of the TCOF1 protein (p.Pro311Ser). This variant is present in population databases (rs762999584, gnomAD 0.01%). This variant has not been reported in the literature in individuals affected with TCOF1-related conditions. ClinVar contains an entry for this variant (Variation ID: 2963207). Invitae Evidence Modeling of protein sequence and biophysical properties (such as structural, functional, and spatial information, amino acid conservation, physicochemical variation, residue mobility, and thermodynamic stability) indicates that this missense variant is not expected to disrupt TCOF1 protein function with a negative predictive value of 80%. In summary, the available evidence is currently insufficient to determine the role of this variant in disease. Therefore, it has been classified as a Variant of Uncertain Significance.

Ambry Genetics
Classification: Uncertain significance for Inborn genetic diseases. Last evaluated: 2025-08-09. Review status: criteria provided, single submitter. Criteria: Ambry Variant Classification Scheme 2023. Collection method: clinical testing. Allele origin: germline.

NM_001371623.1(TCOF1):c.931C>T (p.Pro311Ser)

Gene: TCOF1 (treacle ribosome biogenesis factor 1; plus strand). Cytogenetic location: 5q32.
Variant type: single nucleotide variant.
Coding change: c.931C>T on transcript NM_001371623.1 (MANE Select); coding-DNA position 931, C replaced by T.
Protein change: p.Pro311Ser; replaces proline 311 with serine.
Molecular consequence: missense variant.
Genome position (GRCh38, 1-based): chr5:150,374,234, C>T. VCF-style: chr5-150374234-C-T. GRCh37 (hg19) VCF-style: chr5-149753797-C-T.
Other names: c.931C>T (NM_001135243.1); c.700C>T, p.Pro234Ser (NM_000356.4, NM_001135245.2); c.931C>T, p.Pro311Ser (NM_001008657.3, NM_001135243.2, NM_001135244.2 and 1 more transcripts); short protein forms P311S, P234S.
Identifiers: ClinVar variation 2963207 (VCV002963207.4), dbSNP rs762999584, ClinGen allele CA3510701.